The following is an entry in ClinVar:

NM_001369.3(DNAH5):c.6961del (p.Trp2321fs)

Gene: DNAH5 (dynein axonemal heavy chain 5; minus strand). Cytogenetic location: 5p15.2.
Variant type: Deletion.
Coding change: c.6961del on transcript NM_001369.3 (MANE Select); coding-DNA position 6961, one base deleted (T; older notation c.6961delT).
Protein change: p.Trp2321fs; shifts the reading frame from tryptophan 2321.
Molecular consequence: frameshift variant.
Genome position (GRCh38, 1-based): chr5:13,817,575, A deleted on the plus strand (T on the coding strand, the reverse complement: DNAH5 is on the minus strand); the first of 3 consecutive A bases (chr5:13,817,575-13,817,577); deleting any one gives the same sequence. VCF-style (leftmost placement, unchanged base first): chr5-13817574-CA-C. GRCh37 (hg19) VCF-style: chr5-13817683-CA-C.
Other names: short protein forms W2321fs.
Identifiers: ClinVar variation 1725539 (VCV001725539.2), dbSNP rs2546833788, ClinGen allele CA2580072123.

ClinVar aggregate classification (germline): Likely pathogenic (1 of 4 stars; one submission).

Conditions:
Primary ciliary dyskinesia 3. Identifiers: Orphanet 244, MedGen C1837618, MONDO:0012085, OMIM 608644.

Submission:

Myriad Genetics, Inc.
Classification: Likely pathogenic for Primary ciliary dyskinesia 3. Last evaluated: 2022-03-30. Review status: criteria provided, single submitter. Criteria: Myriad Women's Health Autosomal Recessive and X-Linked Classification Criteria (2021). Collection method: clinical testing. Allele origin: unknown.
Comment: NM_001369.2(DNAH5):c.6961delT(W2321Gfs*5) is expected to be pathogenic in the context of DNAH5-related primary ciliary dyskinesia. This variant is predicted to lead to an abnormal or absent protein product due to the creation of a premature termination codon in DNAH5, a gene where loss-of-function variants are known to be pathogenic. Please note: this variant was assessed in the context of healthy population screening.